The following is an entry in ClinVar:

ClinVar aggregate classification (germline): Uncertain significance (1 of 4 stars; one submission).

Submission:

GeneDx
Classification: Uncertain significance. Last evaluated: 2019-12-27. Review status: criteria provided, single submitter. Criteria: GeneDx Variant Classification Process June 2021. Collection method: clinical testing. Allele origin: germline. Affected: yes.
Comment: Not observed in large population cohorts (Lek et al., 2016); In silico analysis, which includes protein predictors and evolutionary conservation, supports that this variant does not alter protein structure/function; Has not been previously published as pathogenic or benign to our knowledge

NM_001008537.3(NEXMIF):c.566C>T (p.Ala189Val)

Gene: NEXMIF (neurite extension and migration factor; minus strand). Cytogenetic location: Xq13.3.
Variant type: single nucleotide variant.
Coding change: c.566C>T on transcript NM_001008537.3 (MANE Select); coding-DNA position 566, C replaced by T.
Protein change: p.Ala189Val; replaces alanine 189 with valine.
Molecular consequence: missense variant.
Genome position (GRCh38, 1-based): chrX:74,743,991, G>A on the plus strand (C>T on the coding strand, the complement: NEXMIF is on the minus strand). VCF-style: chrX-74743991-G-A. GRCh37 (hg19) VCF-style: chrX-73963826-G-A.
Other names: short protein forms A189V.
Identifiers: ClinVar variation 1311407 (VCV001311407.2), dbSNP rs2147441549, ClinGen allele CA413673041.